The following is an entry in ClinVar:

ClinVar aggregate classification (germline): Uncertain significance (1 of 4 stars; one submission).

Conditions:
Developmental delay with or without dysmorphic facies and autism. Identifiers: MedGen C5193106, MONDO:0032760, OMIM 618454.

gnomAD v4.1: 1 of 1,614,148 alleles (0.000062%); highest among the groups gnomAD compares: Non-Finnish European, 0.000085%; no homozygotes.

Submission:

Clinical Genomics Laboratory, Washington University in St. Louis
Classification: Uncertain significance for Developmental delay with or without dysmorphic facies and autism. Last evaluated: 2026-01-08. Review status: criteria provided, single submitter. Criteria: ACMG Guidelines, 2015. Collection method: clinical testing. Allele origin: germline.
Comment: The TRRAP c.5269C>A (p.Arg1757Ser) variant, to our knowledge, has not been reported in the medical literature. This variant is absent from the general population (gnomAD v.2.1.1), indicating it is not a common variant. Computational predictors are uncertain as to the impact of this variant on TRRAP function. The TRRAP gene has a low rate of benign missense variation and where pathogenic missense variants are a common mechanism of disease. Due to limited information, and based on ACMG/AMP guidelines for variant interpretation (Richards S et al., PMID: 25741868), the clinical significance of this variant is uncertain at this time.

NM_001375524.1(TRRAP):c.5269C>A (p.Arg1757Ser)

Genes: TRRAP (transformation/transcription domain associated protein; plus strand), LOC126860121 (MED14-independent group 3 enhancer GRCh37_chr7:98547245-98548444; plus strand). Cytogenetic location: 7q22.1.
Variant type: single nucleotide variant.
Coding change: c.5269C>A on transcript NM_001375524.1 (MANE Select); coding-DNA position 5269, C replaced by A.
Protein change: p.Arg1757Ser; replaces arginine 1757 with serine.
Molecular consequence: missense variant.
Genome position (GRCh38, 1-based): chr7:98,950,197, C>A. VCF-style: chr7-98950197-C-A. GRCh37 (hg19) VCF-style: chr7-98547820-C-A.
Other names: c.5248C>A, p.Arg1750Ser (NM_001244580.2); c.5194C>A, p.Arg1732Ser (NM_003496.4); short protein forms R1732S, R1750S, R1757S.
Identifiers: ClinVar variation 4879208 (VCV004879208.1).